The following is an entry in ClinVar:

ClinVar aggregate classification (germline): Pathogenic. Review status: criteria provided, multiple submitters, no conflicts (2 of 4 stars). 6 submissions from 6 submitters: Pathogenic (5). 1 of the submissions does not count toward it. Last evaluated 2025-06-07.

Conditions:
Spinal muscular atrophy with congenital bone fractures 2 (SMABF2). Identifiers: MedGen C4225176, MONDO:0014807, OMIM 616867.
Centronuclear myopathy (CNM). Also called: Myotubular myopathy; Centronuclear myopathy, congenital. Identifiers: Orphanet 595, MedGen C0175709, MONDO:0018947. Inheritance: All.

Allele frequency attached by ClinVar (database versions not stated): gnomAD exomes 0.00001 and 0.00002; TOPMed 0.00002.

Submissions (6):

Labcorp Genetics (formerly Invitae), Labcorp
Classification: Pathogenic. Last evaluated: 2025-06-07. Review status: criteria provided, single submitter. Criteria: Invitae Variant Classification Sherloc (09022015). Collection method: clinical testing. Allele origin: germline.
Comment: This sequence change creates a premature translational stop signal (p.Arg110*) in the ASCC1 gene. It is expected to result in an absent or disrupted protein product. Loss-of-function variants in ASCC1 are known to be pathogenic (PMID: 30327447). This variant is present in population databases (no rsID available, gnomAD 0.009%). This premature translational stop signal has been observed in individual(s) with spinal muscular atrophy with congenital bone fractures (PMID: 30327447). It has also been observed to segregate with disease in related individuals. This variant is also known as p.Arg138*. ClinVar contains an entry for this variant (Variation ID: 801335). For these reasons, this variant has been classified as Pathogenic.

3billion
Classification: Pathogenic for Spinal muscular atrophy with congenital bone fractures 2. Last evaluated: 2025-02-28. Review status: criteria provided, single submitter. Criteria: ACMG Guidelines, 2015. Collection method: clinical testing. Allele origin: germline. Affected: yes.
Comment: The variant is observed at an extremely low frequency in the gnomAD v4.1.0 dataset (total allele frequency: 0.001%). Predicted Consequence/Location: Stop-gained (nonsense): predicted to result in a loss or disruption of normal protein function through nonsense-mediated decay (NMD) or protein truncation. Multiple pathogenic variants are reported downstream of the variant. The variant has been reported at least twice as pathogenic with clinical assertions and evidence for the classification (ClinVar ID: VCV000801335). Therefore, this variant is classified as Pathogenic according to the recommendation of ACMG/AMP guideline.

GeneDx
Classification: Pathogenic. Last evaluated: 2024-05-15. Review status: criteria provided, single submitter. Criteria: GeneDx Variant Classification Process June 2021. Collection method: clinical testing. Allele origin: germline. Affected: yes.
Comment: Nonsense variant predicted to result in protein truncation or nonsense mediated decay in a gene for which loss of function is a known mechanism of disease; This variant is associated with the following publications: (PMID: 34302381, 30327447)

Muscle and Diseases Team, Institut de Génétique et Biologie Moléculaire et Cellulaire
Classification: Pathogenic for Centronuclear myopathy. Last evaluated: 2024-03-01. Review status: criteria provided, single submitter. Criteria: ACMG Guidelines, 2015. Collection method: research. Allele origin: biparental. Affected: yes. Observed: 1 variant allele.
Comment: PVS1+PM2+PM4+PP3+PP5

Neuberg Centre For Genomic Medicine, NCGM
Classification: Pathogenic for Spinal muscular atrophy with congenital bone fractures 2. Last evaluated: 2023-06-22. Review status: criteria provided, single submitter. Criteria: ACMG Guidelines, 2015. Collection method: clinical testing. Allele origin: germline. Inheritance: Autosomal recessive inheritance. Affected: yes.
Comment: The observed stop gain c.328C>T(p.Arg110Ter) variant in ASCC1 has been reported in homozygous state in individuals affected with ASCC1 related disorder (Rosano KK, et. al., 2021). It has also been observed to segregate with disease in related individuals (Böhm J, et. al., 2019). This variant is present with an allele frequency of 0.002% in gnomAD Exomes database. This variant has been reported to the ClinVar database as Pathogenic. Computational evidence (MutationTaster - disease causing) predict damaging effect on protein structure and function for this variant. The nucleotide change c.328C>T in ASCC1 is predicted as conserved by GERP++ and PhyloP across 100 vertebrates. This variant is predicted to cause loss of normal protein function through protein truncation. Loss of function variants have been previously reported to be disease causing (Böhm J, et. al., 2019). For these reasons, this variant has been classified as Pathogenic.

OMIM
Classification: Pathogenic for SPINAL MUSCULAR ATROPHY WITH CONGENITAL BONE FRACTURES 2. Last evaluated: 2020-01-03. Review status: no assertion criteria provided. Collection method: literature only. Allele origin: germline. Not counted in ClinVar's aggregate classification.

Literature cited by the submitters: PubMed 30327447 (cited by 3 submitters); DOI 10.1186/s13073-024-01353-0 (cited by Muscle and Diseases Team, Institut de Génétique et Biologie Moléculaire et Cellulaire).

NM_001198800.3(ASCC1):c.328C>T (p.Arg110Ter)

Gene: ASCC1 (activating signal cointegrator 1 complex subunit 1; minus strand). Cytogenetic location: 10q22.1.
Variant type: single nucleotide variant.
Coding change: c.328C>T on transcript NM_001198800.3 (MANE Select); coding-DNA position 328, C replaced by T.
Protein change: p.Arg110Ter; replaces arginine 110 with a stop codon.
Molecular consequence: nonsense. On other transcripts: non-coding transcript variant (1).
Genome position (GRCh38, 1-based): chr10:72,196,972, G>A on the plus strand (C>T on the coding strand, the complement: ASCC1 is on the minus strand). VCF-style: chr10-72196972-G-A. GRCh37 (hg19) VCF-style: chr10-73956730-G-A.
Other names: c.328C>T (NM_001198800.2); c.328C>T, p.Arg110Ter (NM_001198798.2, NM_001369087.1, NM_001369088.1 and 18 more transcripts); c.412C>T, p.Arg138Ter (NM_001198799.3); c.394C>T, p.Arg132Ter (NM_001369085.1, NM_001369086.1, NM_001369099.1); c.211C>T, p.Arg71Ter (NM_001369101.1, NM_001369102.1, NM_001369105.1 and 2 more transcripts); short protein forms R138*, R110*, R132*, R71*.
Identifiers: ClinVar variation 801335 (VCV000801335.10), dbSNP rs866050664, ClinGen allele CA209530034.
Genomic context (GRCh38, chr10:72,196,972, plus strand): 5'-TTCTTCGAAAAGTGTCCAAAAGAACATCAATCCGTGTTCGGGCTGAAATTACACCATTTC[G>A]ATGCTGGCCAGTGATTACTGTAAACAAAGAAGAAAGGGTAAACTGCTCAAGGACCCCCAA-3'